The following is an entry in ClinVar:

NM_004656.4(BAP1):c.996C>G (p.Pro332=)

Gene: BAP1 (BRCA1 associated deubiquitinase 1; minus strand). Cytogenetic location: 3p21.1.
Variant type: single nucleotide variant.
Coding change: c.996C>G on transcript NM_004656.4 (MANE Select); coding-DNA position 996, C replaced by G.
Protein change: p.Pro332=; no amino-acid change (proline 332 retained).
Molecular consequence: synonymous variant.
Genome position (GRCh38, 1-based): chr3:52,405,230, G>C on the plus strand (C>G on the coding strand, the complement: BAP1 is on the minus strand). VCF-style: chr3-52405230-G-C. GRCh37 (hg19) VCF-style: chr3-52439246-G-C.
Identifiers: ClinVar variation 703193 (VCV000703193.14), dbSNP rs374433572, ClinGen allele CA2436942.

ClinVar aggregate classification (germline): Benign/Likely benign. Review status: criteria provided, multiple submitters, no conflicts (2 of 4 stars). 4 submissions from 4 submitters: Benign (1); Likely benign (3). Last evaluated 2025-12-23.

Conditions:
Hereditary cancer-predisposing syndrome. Also called: Hereditary Cancer Syndrome; Tumor predisposition; Neoplastic Syndromes, Hereditary; Hereditary neoplastic syndrome. Identifiers: Orphanet 140162, MedGen C0027672, MeSH D009386, MONDO:0015356.
BAP1-related tumor predisposition syndrome (TPDS1). Also called: COMMON Syndrome; TUMOR PREDISPOSITION SYNDROME 1; Tumor susceptibility linked to germline BAP1 mutations; BAP1 tumor predisposition syndrome. Identifiers: Orphanet 289539, MedGen C3280492, MONDO:0013692, OMIM 614327.

Allele frequency attached by ClinVar (database versions not stated): gnomAD exomes below 0.00001; TOPMed below 0.00001; ExAC 0.00001; ESP Exome Variant Server 0.00008.
gnomAD v4.1: 4 of 1,614,096 alleles (0.00025%); highest among the groups gnomAD compares: Non-Finnish European, 0.00034%; no homozygotes.

Submissions (4):

Labcorp Genetics (formerly Invitae), Labcorp
Classification: Likely benign for BAP1-related tumor predisposition syndrome. Last evaluated: 2025-12-23. Review status: criteria provided, single submitter. Criteria: Invitae Variant Classification Sherloc (09022015). Collection method: clinical testing. Allele origin: germline.

Myriad Genetics, Inc.
Classification: Benign for BAP1-related tumor predisposition syndrome. Last evaluated: 2024-07-15. Review status: criteria provided, single submitter. Criteria: Myriad Autosomal Dominant, Autosomal Recessive and X-Linked Classification Criteria (2023). Collection method: clinical testing. Allele origin: unknown.
Comment: This variant is considered benign. This variant is a silent/synonymous amino acid change and it is not expected to impact splicing.

Color Diagnostics, LLC DBA Color Health
Classification: Likely benign for Hereditary cancer-predisposing syndrome. Last evaluated: 2022-07-11. Review status: criteria provided, single submitter. Criteria: ACMG Guidelines, 2015. Collection method: clinical testing. Allele origin: germline.

Ambry Genetics
Classification: Likely benign for Hereditary cancer-predisposing syndrome. Last evaluated: 2017-03-22. Review status: criteria provided, single submitter. Criteria: Ambry Variant Classification Scheme 2023. Collection method: clinical testing. Allele origin: germline.